The following is an entry in ClinVar:

ClinVar aggregate classification (germline): Uncertain significance. Review status: criteria provided, multiple submitters, no conflicts (2 of 4 stars). 2 submissions from 2 submitters: Uncertain significance (2). Last evaluated 2025-03-26.

Conditions:
Hereditary cancer-predisposing syndrome. Also called: Neoplastic Syndromes, Hereditary; Tumor predisposition; Hereditary neoplastic syndrome; Hereditary Cancer Syndrome. Identifiers: Orphanet 140162, MedGen C0027672, MeSH D009386, MONDO:0015356.
Tuberous sclerosis 2 (TSC2). Identifiers: Orphanet 805, MedGen C1860707, MONDO:0013199, OMIM 613254.

Submissions (2):

Ambry Genetics
Classification: Uncertain significance for Hereditary cancer-predisposing syndrome. Last evaluated: 2025-03-26. Review status: criteria provided, single submitter. Criteria: Ambry Variant Classification Scheme 2023. Collection method: clinical testing. Allele origin: germline.
Comment: The p.P952A variant (also known as c.2854C>G), located in coding exon 25 of the TSC2 gene, results from a C to G substitution at nucleotide position 2854. The proline at codon 952 is replaced by alanine, an amino acid with highly similar properties. This amino acid position is conserved. In addition, this alteration is predicted to be tolerated by in silico analysis. Based on the available evidence, the clinical significance of this variant remains unclear.

Labcorp Genetics (formerly Invitae), Labcorp
Classification: Uncertain significance for Tuberous sclerosis 2. Last evaluated: 2021-09-07. Review status: criteria provided, single submitter. Criteria: Invitae Variant Classification Sherloc (09022015). Collection method: clinical testing. Allele origin: germline.
Comment: In summary, the available evidence is currently insufficient to determine the role of this variant in disease. Therefore, it has been classified as a Variant of Uncertain Significance. Advanced modeling of protein sequence and biophysical properties (such as structural, functional, and spatial information, amino acid conservation, physicochemical variation, residue mobility, and thermodynamic stability) performed at Invitae indicates that this missense variant is not expected to disrupt TSC2 protein function. This variant has not been reported in the literature in individuals affected with TSC2-related conditions. This variant is not present in population databases (ExAC no frequency). This sequence change replaces proline with alanine at codon 952 of the TSC2 protein (p.Pro952Ala). The proline residue is weakly conserved and there is a small physicochemical difference between proline and alanine.

NM_000548.5(TSC2):c.2854C>G (p.Pro952Ala)

Gene: TSC2 (TSC complex subunit 2; plus strand). Cytogenetic location: 16p13.3.
Variant type: single nucleotide variant.
Coding change: c.2854C>G on transcript NM_000548.5 (MANE Select); coding-DNA position 2854, C replaced by G.
Protein change: p.Pro952Ala; replaces proline 952 with alanine.
Molecular consequence: missense variant. On other transcripts: intron variant (9).
Genome position (GRCh38, 1-based): chr16:2,077,614, C>G. VCF-style: chr16-2077614-C-G. GRCh37 (hg19) VCF-style: chr16-2127615-C-G.
Other names: c.2854C>G, p.Pro952Ala (NM_001114382.3); c.2837+1029C>G (NM_021055.3, NM_001370405.1, NM_001363528.2 and 2 more transcripts); c.2726+1029C>G (NM_001318827.2); c.2237+1029C>G (NM_001318831.2); c.2690+1029C>G (NM_001318829.2); c.2870+1029C>G (NM_001318832.2); c.2854C>G (NM_000548.3); short protein forms P952A.
Identifiers: ClinVar variation 1488624 (VCV001488624.7), dbSNP rs745456980, ClinGen allele CA394280815.